The following is an entry in ClinVar:

NM_006231.4(POLE):c.773C>G (p.Thr258Ser)

Gene: POLE (DNA polymerase epsilon, catalytic subunit; minus strand). Cytogenetic location: 12q24.33.
Variant type: single nucleotide variant.
Coding change: c.773C>G on transcript NM_006231.4 (MANE Select); coding-DNA position 773, C replaced by G.
Protein change: p.Thr258Ser; replaces threonine 258 with serine.
Molecular consequence: missense variant.
Genome position (GRCh38, 1-based): chr12:132,677,391, G>C on the plus strand (C>G on the coding strand, the complement: POLE is on the minus strand). VCF-style: chr12-132677391-G-C. GRCh37 (hg19) VCF-style: chr12-133253977-G-C.
Other names: short protein forms T258S.
Identifiers: ClinVar variation 2116802 (VCV002116802.4), dbSNP rs1196808684, ClinGen allele CA387364453.
Genomic context (GRCh38, chr12:132,677,391, plus strand): 5'-TTTAGGATGAAGGTAACACAAGCAAAACTTACAGGTCGTTCAACAAGGTCATCTCGGCGG[G>C]TGATTTCTACCGGAAAAGCATTTCCTCGGTATCTGACATTGTACCAATGAGCCTGCAAAA-3'
Protein context (NP_006222.2, residues 248-268): YRGNAFPVEI[Thr258Ser]RRDDLVERPD

ClinVar aggregate classification (germline): Uncertain significance (1 of 4 stars; one submission).

Submission:

Labcorp Genetics (formerly Invitae), Labcorp
Classification: Uncertain significance. Last evaluated: 2022-03-26. Review status: criteria provided, single submitter. Criteria: Invitae Variant Classification Sherloc (09022015). Collection method: clinical testing. Allele origin: germline.
Comment: This sequence change replaces threonine, which is neutral and polar, with serine, which is neutral and polar, at codon 258 of the POLE protein (p.Thr258Ser). This variant is not present in population databases (gnomAD no frequency). This variant has not been reported in the literature in individuals affected with POLE-related conditions. Algorithms developed to predict the effect of missense changes on protein structure and function output the following: SIFT: "Tolerated"; PolyPhen-2: "Benign"; Align-GVGD: "Class C0". The serine amino acid residue is found in multiple mammalian species, which suggests that this missense change does not adversely affect protein function. In summary, the available evidence is currently insufficient to determine the role of this variant in disease. Therefore, it has been classified as a Variant of Uncertain Significance.